The following is an entry in ClinVar:

NM_006901.4(MYO9A):c.4608A>G (p.Pro1536=)

Gene: MYO9A (myosin IXA; minus strand). Cytogenetic location: 15q23.
Variant type: single nucleotide variant.
Coding change: c.4608A>G on transcript NM_006901.4 (MANE Select); coding-DNA position 4608, A replaced by G.
Protein change: p.Pro1536=; no amino-acid change (proline 1536 retained).
Molecular consequence: synonymous variant.
Genome position (GRCh38, 1-based): chr15:71,897,895, T>C on the plus strand (A>G on the coding strand, the complement: MYO9A is on the minus strand). VCF-style: chr15-71897895-T-C. GRCh37 (hg19) VCF-style: chr15-72190236-T-C.
Other names: c.4608A>G (NM_006901.3).
Identifiers: ClinVar variation 807282 (VCV000807282.44), dbSNP rs146981046, ClinGen allele CA7641373.

ClinVar aggregate classification (germline): Conflicting classifications of pathogenicity. Review status: criteria provided, conflicting classifications (1 of 4 stars). 4 submissions from 4 submitters: Uncertain significance (2); Likely benign (1). 1 of the submissions does not count toward it. Last evaluated 2024-08-06.

Conditions:
MYO9A-related disorder. Also called: MYO9A-related condition.

Allele frequency attached by ClinVar (database versions not stated): gnomAD exomes 0.00018 and 0.00049; ExAC 0.00063; gnomAD 0.00155 and 0.00163; 1000 Genomes Project 0.00180; TOPMed 0.00186; 1000 Genomes Project 30x 0.00187; ESP Exome Variant Server 0.00192.

Submissions (4):

Blueprint Genetics
Classification: Likely benign. Last evaluated: 2024-08-06. Review status: criteria provided, single submitter. Criteria: ACMG Guidelines, 2015. Collection method: clinical testing. Allele origin: germline.

CeGaT Center for Human Genetics Tuebingen
Classification: Uncertain significance. Last evaluated: 2018-03-01. Review status: criteria provided, single submitter. Criteria: CeGaT Center For Human Genetics Tuebingen Variant Classification Criteria Version 2. Collection method: clinical testing. Allele origin: germline. Affected: yes. Observed: 1 variant allele.

Breakthrough Genomics
Classification: Uncertain significance. Review status: criteria provided, single submitter. Criteria: ACMG Guidelines, 2015. Collection method: not provided. Allele origin: germline. Inheritance: Autosomal recessive inheritance. Affected: yes.

PreventionGenetics, part of Exact Sciences
Classification: Likely benign for MYO9A-related condition. Last evaluated: 2024-08-21. Review status: no assertion criteria provided. Collection method: clinical testing. Allele origin: germline. Not counted in ClinVar's aggregate classification.
Comment: This variant is classified as likely benign based on ACMG/AMP sequence variant interpretation guidelines (Richards et al. 2015 PMID: 25741868, with internal and published modifications).